The following is an entry in ClinVar:

ClinVar aggregate classification (germline): Uncertain significance (1 of 4 stars; one submission).

Conditions:
TTN-related disorder. Also called: TTN-related disorders; TTN-related condition; TTN-related disease.

gnomAD v4.1: 2 of 1,613,074 alleles (0.00012%); highest among the groups gnomAD compares: Non-Finnish European, 0.00017%; no homozygotes.

Submission:

PreventionGenetics, part of Exact Sciences
Classification: Uncertain significance for TTN-related condition. Last evaluated: 2025-09-05. Review status: criteria provided, single submitter. Criteria: ACMG Guidelines, 2015. Collection method: clinical testing. Allele origin: germline.
Comment: The TTN c.21714T>A variant is predicted to result in the amino acid substitution p.Asp7238Glu. To our knowledge, this variant has not been reported in the literature or in a large population database (gnomAD), indicating this variant is rare. At this time, the clinical significance of this variant is uncertain due to the absence of conclusive functional and genetic evidence.

NM_001267550.2(TTN):c.21714T>A (p.Asp7238Glu)

Gene: TTN (titin; minus strand). Cytogenetic location: 2q31.2.
Variant type: single nucleotide variant.
Coding change: c.21714T>A on transcript NM_001267550.2 (MANE Select); coding-DNA position 21714, T replaced by A.
Protein change: p.Asp7238Glu; replaces aspartic acid 7238 with glutamic acid.
Molecular consequence: missense variant. On other transcripts: intron variant (3).
Genome position (GRCh38, 1-based): chr2:178,723,293, A>T on the plus strand (T>A on the coding strand, the complement: TTN is on the minus strand). VCF-style: chr2-178723293-A-T. GRCh37 (hg19) VCF-style: chr2-179588020-A-T.
Other names: c.20763T>A, p.Asp6921Glu (NM_001256850.1); c.17982T>A, p.Asp5994Glu (NM_133378.4); c.13282+14789T>A (NM_003319.4); c.13858+14789T>A (NM_133437.4); c.13657+14789T>A (NM_133432.3); short protein forms D5994E, D6921E, D7238E.
Identifiers: ClinVar variation 4999601 (VCV004999601.1).